The following is an entry in ClinVar:

ClinVar aggregate classification (germline): Conflicting classifications of pathogenicity. Review status: criteria provided, conflicting classifications (1 of 4 stars). 2 submissions from 2 submitters: Uncertain significance (1); Likely benign (1). Last evaluated 2025-04-15.

Allele frequency attached by ClinVar (database versions not stated): gnomAD exomes 0.00021 and 0.00012; TOPMed 0.00011; 1000 Genomes Project 30x 0.00016; 1000 Genomes Project 0.00020; gnomAD 0.00013 and 0.00011; ExAC 0.00024.
gnomAD v4.1: 211 of 1,614,068 alleles (0.013%); highest among the groups gnomAD compares: East Asian, 0.18%; no homozygotes.

Submissions (2):

GeneDx
Classification: Uncertain significance. Last evaluated: 2025-04-15. Review status: criteria provided, single submitter. Criteria: GeneDx Variant Classification Process June 2021. Collection method: clinical testing. Allele origin: germline. Affected: yes.
Comment: In silico analysis supports that this missense variant has a deleterious effect on protein structure/function; Has not been previously published as pathogenic or benign to our knowledge

Labcorp Genetics (formerly Invitae), Labcorp
Classification: Likely benign. Last evaluated: 2023-11-03. Review status: criteria provided, single submitter. Criteria: Invitae Variant Classification Sherloc (09022015). Collection method: clinical testing. Allele origin: germline.

NM_014489.4(PGAP2):c.52C>T (p.Arg18Cys)

Gene: PGAP2 (post-GPI attachment to proteins 2; plus strand). Cytogenetic location: 11p15.4.
Variant type: single nucleotide variant.
Coding change: c.52C>T on transcript NM_014489.4 (MANE Select); coding-DNA position 52, C replaced by T.
Protein change: p.Arg18Cys; replaces arginine 18 with cysteine.
Molecular consequence: missense variant. On other transcripts: synonymous variant (2), 5 prime UTR variant (2), non-coding transcript variant (5), intron variant (2).
Genome position (GRCh38, 1-based): chr11:3,811,311, C>T. VCF-style: chr11-3811311-C-T. GRCh37 (hg19) VCF-style: chr11-3832541-C-T.
Other names: c.52C>T, p.Arg18Cys (NM_001145438.3, NM_001256236.2, NM_001256237.2 and 9 more transcripts); c.21C>T, p.Ser7= (NM_001256235.2); c.205C>T, p.Arg69Cys (NM_001346397.2); c.-152C>T (NM_001346399.2, NM_001346401.2); c.87C>T, p.Ser29= (NM_001346402.2); c.161+2996C>T (NM_001283040.1); c.-41+2996C>T (NM_001283039.2); short protein forms R18C, R69C, R75C.
Identifiers: ClinVar variation 738390 (VCV000738390.10), dbSNP rs200164387, ClinGen allele CA5829552.